The following is an entry in ClinVar:

NM_004333.6(BRAF):c.992T>C (p.Leu331Pro)

Genes: BRAF (B-Raf proto-oncogene, serine/threonine kinase; minus strand), LOC126860202 (BRD4-independent group 4 enhancer GRCh37_chr7:140493623-140494822; plus strand). Cytogenetic location: 7q34.
Variant type: single nucleotide variant.
Coding change: c.992T>C on transcript NM_004333.6 (MANE Select); coding-DNA position 992, T replaced by C.
Protein change: p.Leu331Pro; replaces leucine 331 with proline.
Molecular consequence: missense variant.
Genome position (GRCh38, 1-based): chr7:140,794,456, A>G on the plus strand (T>C on the coding strand, the complement: BRAF is on the minus strand). VCF-style: chr7-140794456-A-G. GRCh37 (hg19) VCF-style: chr7-140494256-A-G.
Other names: c.992T>C, p.Leu331Pro (NM_001378474.1, NM_001354609.2, NM_001374244.1 and 4 more transcripts); c.728T>C, p.Leu243Pro (NM_001378475.1); c.1001T>C, p.Leu334Pro (NM_001378467.1); c.890T>C, p.Leu297Pro (NM_001378470.1); c.836T>C, p.Leu279Pro (NM_001378472.1, NM_001378473.1); short protein forms L334P, L279P, L243P, L331P, L297P.
Identifiers: ClinVar variation 1429757 (VCV001429757.8), dbSNP rs372915332, ClinGen allele CA168100950.
Genomic context (GRCh38, chr7:140,794,456, plus strand): 5'-TCATCTGCTGGTCGGAAGGGCTGTGGAATTGGAATGGATTTTGAAGGAGACGGACTGGTG[A>G]GAATTTGGGGCCTGGAAAAATGAAGTCATTGGAAGATAAGATTCAGAGTAACGATATAAA-3'
Protein context (NP_004324.2, residues 321-341): PASDSIGPQI[Leu331Pro]TSPSPSKSIP

ClinVar aggregate classification (germline): Uncertain significance (1 of 4 stars; one submission).

Conditions:
RASopathy. Also called: Noonan spectrum disorder; rasopathies. Identifiers: Orphanet 536391, MedGen C5555857, MONDO:0021060.

Allele frequency attached by ClinVar (database versions not stated): gnomAD 0.00001; TOPMed 0.00002; ESP Exome Variant Server 0.00008.
gnomAD v4.1: 1 of 1,613,936 alleles (0.000062%); highest among the groups gnomAD compares: African/African-American, 0.0013%; no homozygotes.

Submission:

Labcorp Genetics (formerly Invitae), Labcorp
Classification: Uncertain significance for RASopathy. Last evaluated: 2025-02-03. Review status: criteria provided, single submitter. Criteria: Invitae Variant Classification Sherloc (09022015). Collection method: clinical testing. Allele origin: germline.
Comment: This sequence change replaces leucine, which is neutral and non-polar, with proline, which is neutral and non-polar, at codon 331 of the BRAF protein (p.Leu331Pro). This variant is not present in population databases (gnomAD no frequency). This variant has not been reported in the literature in individuals affected with BRAF-related conditions. ClinVar contains an entry for this variant (Variation ID: 1429757). Invitae Evidence Modeling of protein sequence and biophysical properties (such as structural, functional, and spatial information, amino acid conservation, physicochemical variation, residue mobility, and thermodynamic stability) indicates that this missense variant is not expected to disrupt BRAF protein function with a negative predictive value of 80%. In summary, the available evidence is currently insufficient to determine the role of this variant in disease. Therefore, it has been classified as a Variant of Uncertain Significance.